The following is an entry in ClinVar:

NM_000130.5(F5):c.586+5G>A

Gene: F5 (coagulation factor V; minus strand). Cytogenetic location: 1q24.2.
Variant type: single nucleotide variant.
Coding change: c.586+5G>A on transcript NM_000130.5 (MANE Select); 5 bases into the intron after coding-DNA position 586, G replaced by A.
Molecular consequence: intron variant.
Genome position (GRCh38, 1-based): chr1:169,560,549, C>T on the plus strand (G>A on the coding strand, the complement: F5 is on the minus strand). VCF-style: chr1-169560549-C-T. GRCh37 (hg19) VCF-style: chr1-169529787-C-T.
Identifiers: ClinVar variation 3712778 (VCV003712778.2).

ClinVar aggregate classification (germline): Uncertain significance (1 of 4 stars; one submission).

Conditions:
Congenital factor V deficiency. Also called: LABILE FACTOR DEFICIENCY; OWREN PARAHEMOPHILIA; PARAHEMOPHILIA; Hereditary factor V deficiency disease. Identifiers: Orphanet 326, MedGen C0015499, MONDO:0009210, OMIM 227400.

gnomAD v4.1: 5 of 1,613,178 alleles (0.00031%); highest among the groups gnomAD compares: Admixed American, 0.0033%; no homozygotes.

Submission:

Labcorp Genetics (formerly Invitae), Labcorp
Classification: Uncertain significance for Congenital factor V deficiency. Last evaluated: 2024-06-04. Review status: criteria provided, single submitter. Criteria: Invitae Variant Classification Sherloc (09022015). Collection method: clinical testing. Allele origin: germline.
Comment: This sequence change falls in intron 4 of the F5 gene. It does not directly change the encoded amino acid sequence of the F5 protein. It affects a nucleotide within the consensus splice site. This variant is not present in population databases (gnomAD no frequency). This variant has not been reported in the literature in individuals affected with F5-related conditions. Variants that disrupt the consensus splice site are a relatively common cause of aberrant splicing (PMID: 17576681, 9536098). Algorithms developed to predict the effect of sequence changes on RNA splicing suggest that this variant is not likely to affect RNA splicing. In summary, the available evidence is currently insufficient to determine the role of this variant in disease. Therefore, it has been classified as a Variant of Uncertain Significance.

Literature cited by the submitters: PubMed 17576681; PubMed 9536098.